The following is an entry in ClinVar:

ClinVar aggregate classification (germline): Pathogenic/Likely pathogenic. Review status: criteria provided, multiple submitters, no conflicts (2 of 4 stars). 4 submissions from 4 submitters: Pathogenic (2); Likely pathogenic (2). Last evaluated 2025-06-12.

Conditions:
Hereditary cancer-predisposing syndrome. Also called: Hereditary Cancer Syndrome; Neoplastic Syndromes, Hereditary; Tumor predisposition; Hereditary neoplastic syndrome. Identifiers: Orphanet 140162, MedGen C0027672, MeSH D009386, MONDO:0015356.
Ataxia-telangiectasia syndrome (AT). Also called: Cerebello-oculocutaneous telangiectasia; Immunodeficiency with ataxia telangiectasia; Ataxia-telangiectasia, complementation group E; Ataxia-telangiectasia, complementation group D; AT, COMPLEMENTATION GROUP C; ATAXIA-TELANGIECTASIA, COMPLEMENTATION GROUP A. Identifiers: Orphanet 100, MedGen C0004135, MONDO:0008840, OMIM 208900.
Familial cancer of breast. Also called: BREAST CANCER, FAMILIAL; Hereditary breast cancer; hereditary breast carcinoma. Identifiers: Orphanet 227535, MedGen C0346153, MONDO:0016419, OMIM 114480. Disease mechanism: loss of function.

Allele frequency attached by ClinVar (database versions not stated): ExAC 0.00001; gnomAD 0.00001.
gnomAD v4.1: 1 of 1,613,964 alleles (0.000062%); highest among the groups gnomAD compares: Non-Finnish European, 0.000085%; no homozygotes.

Submissions (4):

Ambry Genetics
Classification: Pathogenic for Hereditary cancer-predisposing syndrome. Last evaluated: 2025-06-12. Review status: criteria provided, single submitter. Criteria: Ambry Variant Classification Scheme 2023. Collection method: clinical testing. Allele origin: germline.
Comment: The p.L2738* pathogenic mutation (also known as c.8213T>G), located in coding exon 55 of the ATM gene, results from a T to G substitution at nucleotide position 8213. This changes the amino acid from a leucine to a stop codon within coding exon 55. This variant is considered to be rare based on population cohorts in the Genome Aggregation Database (gnomAD). This alteration is expected to result in loss of function by premature protein truncation or nonsense-mediated mRNA decay. As such, this alteration is interpreted as a disease-causing mutation.

Natera, Inc.
Classification: Likely pathogenic for Ataxia-telangiectasia. Last evaluated: 2024-08-29. Review status: criteria provided, single submitter. Criteria: Natera Variant Classification Schema (03/2026). Collection method: clinical testing. Allele origin: germline.
Comment: The c.8213T>G variant in ATM is a nonsense variant predicted to introduce a stop codon at amino acid 2738. This variant is expected to result in nonsense mediated decay, truncation, or a dysfunctional protein product. This variant is rare in the general population with a frequency below the threshold expected for the associated phenotype(s). Given the available evidence, this variant is classified as Likely Pathogenic.

Baylor Genetics
Classification: Likely pathogenic for Familial cancer of breast. Last evaluated: 2023-05-31. Review status: criteria provided, single submitter. Criteria: ACMG Guidelines, 2015. Collection method: clinical testing. Allele origin: unknown.

Color Diagnostics, LLC DBA Color Health
Classification: Pathogenic for Hereditary cancer-predisposing syndrome. Last evaluated: 2020-04-24. Review status: criteria provided, single submitter. Criteria: ACMG Guidelines, 2015. Collection method: clinical testing. Allele origin: germline.
Comment: This variant changes 1 nucleotide in exon 56 of the ATM gene, creating a premature translation stop signal. This variant is expected to result in an absent or non-functional protein product. To our knowledge, this variant has not been reported in individuals affected with hereditary cancer in the literature. This variant has been identified in 1/245850 chromosomes in the general population by the Genome Aggregation Database (gnomAD). Loss of ATM function is a known mechanism of disease. Based on the available evidence, this variant is classified as Pathogenic.

NM_000051.4(ATM):c.8213T>G (p.Leu2738Ter)

Genes: ATM (ATM serine/threonine kinase; plus strand), C11orf65 (chromosome 11 open reading frame 65; minus strand). Cytogenetic location: 11q22.3.
Variant type: single nucleotide variant.
Coding change: c.8213T>G on transcript NM_000051.4 (MANE Select); coding-DNA position 8213, T replaced by G.
Protein change: p.Leu2738Ter; replaces leucine 2738 with a stop codon.
Molecular consequence: nonsense. On other transcripts: intron variant (2).
Genome position (GRCh38, 1-based): chr11:108,335,906, T>G. VCF-style: chr11-108335906-T-G. GRCh37 (hg19) VCF-style: chr11-108206633-T-G.
Other names: c.641-26835A>C (NM_001330368.2); c.695-614A>C (NM_001351110.2); c.8213T>G, p.Leu2738Ter (NM_001351834.2); short protein forms L2738*.
Identifiers: ClinVar variation 490729 (VCV000490729.8), dbSNP rs773889320, ClinGen allele CA6266318.